The following is an entry in ClinVar:

NM_020745.4(AARS2):c.2162T>C (p.Val721Ala)

Gene: AARS2 (alanyl-tRNA synthetase 2, mitochondrial; minus strand). Cytogenetic location: 6p21.1.
Variant type: single nucleotide variant.
Coding change: c.2162T>C on transcript NM_020745.4 (MANE Select); coding-DNA position 2162, T replaced by C.
Protein change: p.Val721Ala; replaces valine 721 with alanine.
Molecular consequence: missense variant.
Genome position (GRCh38, 1-based): chr6:44,303,159, A>G on the plus strand (T>C on the coding strand, the complement: AARS2 is on the minus strand). VCF-style: chr6-44303159-A-G. GRCh37 (hg19) VCF-style: chr6-44270896-A-G.
Other names: p.V721A:GTG>GCG; short protein forms V721A.
Identifiers: ClinVar variation 213971 (VCV000213971.5), dbSNP rs775065697, ClinGen allele CA320581.

ClinVar aggregate classification (germline): Conflicting classifications of pathogenicity. Review status: criteria provided, conflicting classifications (1 of 4 stars). 2 submissions from 2 submitters: Likely pathogenic (1); Uncertain significance (1). Last evaluated 2018-02-16.

Conditions:
Combined oxidative phosphorylation defect type 8. Also called: CARDIOMYOPATHY, HYPERTROPHIC MITOCHONDRIAL, FATAL INFANTILE. Identifiers: Orphanet 319504, MedGen C4518839, MONDO:0013570, OMIM 614096.

Allele frequency attached by ClinVar (database versions not stated): gnomAD exomes 0.00002 and 0.00005; gnomAD 0.00015 and 0.00013; TOPMed 0.00009; ExAC 0.00002.
gnomAD v4.1: 49 of 1,614,014 alleles (0.003%); highest among the groups gnomAD compares: Admixed American, 0.04%; no homozygotes.

Submissions (2):

Illumina Laboratory Services, Illumina
Classification: Uncertain significance for Combined oxidative phosphorylation defect type 8. Last evaluated: 2018-02-16. Review status: criteria provided, single submitter. Criteria: ICSL Variant Classification Criteria 13 December 2019. Collection method: clinical testing. Allele origin: germline.

GeneDx
Classification: Likely pathogenic. Last evaluated: 2014-11-24. Review status: criteria provided, single submitter. Criteria: GeneDx Variant Classification (06012015). Collection method: clinical testing. Allele origin: germline. Affected: yes.
Comment: The V721A variant in the AARS2 gene has not been published as a mutation, nor has it been reported as a benign polymorphism to our knowledge. The V721A variant was not observed in approximately 6,500 individuals of European and African American ancestry in the NHLBI Exome Sequencing Project, indicating it is not a common benign variant in these populations. The V721A variant is a conservative amino acid substitution, which occurs at a position that is well-conserved across species, and in silico analysis predicts this variant is probably damaging to the protein structure/function. The V721A variant is a good candidate for a disease-causing mutation, however the possibility it may be a rare benign variant cannot be excluded. The variant is found in AARS2, panel(s).